The following is an entry in ClinVar:

NM_014053.4(FLVCR1):c.944C>G (p.Pro315Arg)

Gene: FLVCR1 (FLVCR choline and heme transporter 1; plus strand). Cytogenetic location: 1q32.3.
Variant type: single nucleotide variant.
Coding change: c.944C>G on transcript NM_014053.4 (MANE Select); coding-DNA position 944, C replaced by G.
Protein change: p.Pro315Arg; replaces proline 315 with arginine.
Molecular consequence: missense variant.
Genome position (GRCh38, 1-based): chr1:212,872,738, C>G. VCF-style: chr1-212872738-C-G. GRCh37 (hg19) VCF-style: chr1-213046080-C-G.
Other names: p.Pro315Arg; short protein forms P315R.
Identifiers: ClinVar variation 938561 (VCV000938561.12), dbSNP rs572881055, ClinGen allele CA1386004.

ClinVar aggregate classification (germline): Conflicting classifications of pathogenicity. Review status: criteria provided, conflicting classifications (1 of 4 stars). 5 submissions from 5 submitters: Uncertain significance (4); Likely benign (1). Last evaluated 2026-07-06.

Conditions:
FLVCR1-related disorder. Also called: FLVCR1-related condition.

Allele frequency attached by ClinVar (database versions not stated): gnomAD 0.00006 and 0.00008; TOPMed 0.00006; gnomAD exomes 0.00010; ExAC 0.00012; 1000 Genomes Project 30x 0.00031; 1000 Genomes Project 0.00040.
gnomAD v4.1: 153 of 1,612,918 alleles (0.0095%); highest among the groups gnomAD compares: South Asian, 0.091%; 2 homozygotes.

Submissions (5):

PreventionGenetics, part of Exact Sciences
Classification: Uncertain significance for FLVCR1-related condition. Last evaluated: 2026-07-06. Review status: criteria provided, single submitter. Criteria: ACMG Guidelines, 2015. Collection method: clinical testing. Allele origin: germline.
Comment: The FLVCR1 c.944C>G variant is predicted to result in the amino acid substitution p.Pro315Arg. To our knowledge, this variant has not been reported in the literature. This variant is reported in 0.072% of alleles in individuals of South Asian descent in gnomAD, which may be too frequent to be a primary cause of disease. Although we suspect that this variant may be benign, at this time, the clinical significance of this variant is uncertain due to the absence of conclusive functional and genetic evidence.

Blueprint Genetics
Classification: Likely benign. Last evaluated: 2024-08-13. Review status: criteria provided, single submitter. Criteria: ACMG Guidelines, 2015. Collection method: clinical testing. Allele origin: germline.

Mayo Clinic Laboratories, Mayo Clinic
Classification: Uncertain significance. Last evaluated: 2024-04-22. Review status: criteria provided, single submitter. Criteria: ACMG Guidelines, 2015. Collection method: clinical testing. Allele origin: germline. Observed: 1 variant allele.
Comment: BP4

Labcorp Genetics (formerly Invitae), Labcorp
Classification: Uncertain significance. Last evaluated: 2023-12-11. Review status: criteria provided, single submitter. Criteria: Invitae Variant Classification Sherloc (09022015). Collection method: clinical testing. Allele origin: germline.
Comment: This sequence change replaces proline, which is neutral and non-polar, with arginine, which is basic and polar, at codon 315 of the FLVCR1 protein (p.Pro315Arg). This variant is present in population databases (rs572881055, gnomAD 0.07%). This variant has not been reported in the literature in individuals affected with FLVCR1-related conditions. ClinVar contains an entry for this variant (Variation ID: 938561). An algorithm developed to predict the effect of missense changes on protein structure and function (PolyPhen-2) suggests that this variant¬†is likely to be tolerated. In summary, the available evidence is currently insufficient to determine the role of this variant in disease. Therefore, it has been classified as a Variant of Uncertain Significance.

Athena Diagnostics
Classification: Uncertain significance. Last evaluated: 2021-02-10. Review status: criteria provided, single submitter. Criteria: Athena Diagnostics criteria. Collection method: clinical testing. Allele origin: unknown.